The following is an entry in ClinVar:

NM_020988.3(GNAO1):c.75G>A (p.Glu25=)

Gene: GNAO1 (G protein subunit alpha o1; plus strand). Cytogenetic location: 16q13.
Variant type: single nucleotide variant.
Coding change: c.75G>A on transcript NM_020988.3 (MANE Select); coding-DNA position 75, G replaced by A.
Protein change: p.Glu25=; no amino-acid change (glutamic acid 25 retained).
Molecular consequence: synonymous variant.
Genome position (GRCh38, 1-based): chr16:56,192,310, G>A. VCF-style: chr16-56192310-G-A. GRCh37 (hg19) VCF-style: chr16-56226222-G-A.
Other names: c.75G>A, p.Glu25= (NM_138736.3).
Identifiers: ClinVar variation 241367 (VCV000241367.40), dbSNP rs182812404, ClinGen allele CA8063631.

ClinVar aggregate classification (germline): Likely benign. Review status: criteria provided, multiple submitters, no conflicts (2 of 4 stars). 6 submissions from 6 submitters: Likely benign (4). 2 of the submissions do not count toward it. Last evaluated 2026-05-01.

Conditions:
Early-infantile DEE. Also called: Ohtahara syndrome; Early infantile epileptic encephalopathy; Early infantile epileptic encephalopathy with suppression bursts. Identifiers: Orphanet 1934, MedGen C0393706, MONDO:0800491.

Allele frequency attached by ClinVar (database versions not stated): gnomAD exomes 0.00004 and 0.00006; gnomAD 0.00007; ExAC 0.00008; TOPMed 0.00009; 1000 Genomes Project 30x 0.00016; 1000 Genomes Project 0.00020.
gnomAD v4.1: 73 of 1,611,398 alleles (0.0045%); highest among the groups gnomAD compares: Middle Eastern, 0.066%; no homozygotes.

Submissions (6):

CeGaT Center for Human Genetics Tuebingen
Classification: Likely benign. Last evaluated: 2026-05-01. Review status: criteria provided, single submitter. Criteria: CeGaT Center For Human Genetics Tuebingen Variant Classification Criteria Version 2. Collection method: clinical testing. Allele origin: germline. Affected: yes. Observed: 2 variant alleles.
Comment: GNAO1: BP4, BP7

Labcorp Genetics (formerly Invitae), Labcorp
Classification: Likely benign for Early-infantile DEE. Last evaluated: 2025-12-13. Review status: criteria provided, single submitter. Criteria: Invitae Variant Classification Sherloc (09022015). Collection method: clinical testing. Allele origin: germline.

Blueprint Genetics
Classification: Likely benign. Last evaluated: 2024-02-27. Review status: criteria provided, single submitter. Criteria: ACMG Guidelines, 2015. Collection method: clinical testing. Allele origin: germline.

GeneDx
Classification: Likely benign. Last evaluated: 2019-01-29. Review status: criteria provided, single submitter. Criteria: GeneDx Variant Classification Process June 2021. Collection method: clinical testing. Allele origin: germline. Affected: yes.

Clinical Genetics DNA and cytogenetics Diagnostics Lab, Erasmus MC, Erasmus Medical Center
Classification: Likely benign. Review status: no assertion criteria provided. Collection method: clinical testing. Allele origin: germline. Affected: yes. Study: VKGL Data-share Consensus. Not counted in ClinVar's aggregate classification.

Genome Diagnostics Laboratory, University Medical Center Utrecht
Classification: Likely benign. Review status: no assertion criteria provided. Collection method: clinical testing. Allele origin: germline. Affected: yes. Study: VKGL Data-share Consensus. Not counted in ClinVar's aggregate classification.